The following is an entry in ClinVar:

ClinVar aggregate classification (germline): Likely benign. Review status: criteria provided, multiple submitters, no conflicts (2 of 4 stars). 2 submissions from 2 submitters: Likely benign (2). Last evaluated 2025-04-01.

Allele frequency attached by ClinVar (database versions not stated): ExAC 0.00157; ESP Exome Variant Server 0.00285; TOPMed 0.00295; 1000 Genomes Project 0.00339; 1000 Genomes Project 30x 0.00344.
gnomAD v4.1: 1,172 of 1,613,366 alleles (0.073%); highest among the groups gnomAD compares: African/African-American, 0.69%; 3 homozygotes.

Submissions (2):

CeGaT Center for Human Genetics Tuebingen
Classification: Likely benign. Last evaluated: 2025-04-01. Review status: criteria provided, single submitter. Criteria: CeGaT Center For Human Genetics Tuebingen Variant Classification Criteria Version 2. Collection method: clinical testing. Allele origin: germline. Affected: yes. Observed: 6 variant alleles.
Comment: ATAD3A: BP4, BP7

Blueprint Genetics
Classification: Likely benign. Last evaluated: 2024-11-25. Review status: criteria provided, single submitter. Criteria: ACMG Guidelines, 2015. Collection method: clinical testing. Allele origin: germline.

NM_001170535.3(ATAD3A):c.1650C>T (p.Thr550=)

Gene: ATAD3A (ATPase family AAA domain containing 3A; plus strand). Cytogenetic location: 1p36.33.
Variant type: single nucleotide variant.
Coding change: c.1650C>T on transcript NM_001170535.3 (MANE Select); coding-DNA position 1650, C replaced by T.
Protein change: p.Thr550=; no amino-acid change (threonine 550 retained).
Molecular consequence: synonymous variant.
Genome position (GRCh38, 1-based): chr1:1,533,961, C>T. VCF-style: chr1-1533961-C-T. GRCh37 (hg19) VCF-style: chr1-1469341-C-T.
Other names: c.1413C>T, p.Thr471= (NM_001170536.3); c.1794C>T, p.Thr598= (NM_018188.5).
Identifiers: ClinVar variation 2638042 (VCV002638042.25), dbSNP rs141883472, ClinGen allele CA526533.
Genomic context (GRCh38, chr1:1,533,961, plus strand): 5'-CCTCAGCTGCCTCTCTCCCCACTAGGCCACGGCGTATGCCTCCGAGGACGGGGTCCTGAC[C>T]GAGGCCATGATGGACACCCGCGTGCAAGATGCTGTCCAGCAGCACCAGCAGAAGATGTGC-3'
Protein context (NP_001164006.1, residues 540-560): TAYASEDGVL[Thr550=]EAMMDTRVQD